The following is an entry in ClinVar:

ClinVar aggregate classification (germline): Pathogenic/Likely pathogenic. Review status: criteria provided, multiple submitters, no conflicts (2 of 4 stars). 17 submissions from 17 submitters: Pathogenic (2); Likely pathogenic (14). 1 of the submissions does not count toward it. Last evaluated 2026-05-18.

Conditions:
Inherited breast cancer and ovarian cancer.
Breast and/or ovarian cancer. Identifiers: MedGen CN221562.
Hereditary cancer-predisposing syndrome. Also called: Hereditary neoplastic syndrome; Tumor predisposition; Neoplastic Syndromes, Hereditary; Hereditary Cancer Syndrome. Identifiers: Orphanet 140162, MedGen C0027672, MeSH D009386, MONDO:0015356.
Hereditary breast ovarian cancer syndrome. Also called: Breast and ovarian cancer; Hereditary breast and/or ovarian cancer syndrome; BRCA1- and BRCA2-Associated Hereditary Breast and Ovarian Cancer; Hereditary breast and ovarian cancer; Hereditary breast and ovarian cancer syndrome; Hereditary breast and ovarian cancer syndrome (HBOC). Identifiers: Orphanet 145, MedGen C0677776, MeSH D061325, MONDO:0003582. Disease mechanism: loss of function.
Breast-ovarian cancer, familial, susceptibility to, 2 (BROVCA2). Also called: BRCA2 Hereditary Breast and Ovarian Cancer. Identifiers: Orphanet 145, MedGen C2675520, MONDO:0012933, OMIM 612555. Disease mechanism: loss of function.
Familial cancer of breast. Also called: hereditary breast carcinoma; Hereditary breast cancer; BREAST CANCER, FAMILIAL. Identifiers: Orphanet 227535, MedGen C0346153, MONDO:0016419, OMIM 114480. Disease mechanism: loss of function.
Malignant tumor of breast. Also called: Malignant breast neoplasm; Cancer breast. Identifiers: MedGen C0006142, MONDO:0007254. Disease mechanism: loss of function.

gnomAD v4.1: 1 of 1,601,910 alleles (0.000062%); highest among the groups gnomAD compares: Non-Finnish European, 0.000086%; no homozygotes.

Submissions 1 to 11 of 17:

Institute of Human Genetics, University of Leipzig Medical Center
Classification: Likely pathogenic for Familial cancer of breast. Last evaluated: 2026-05-18. Review status: criteria provided, single submitter. Criteria: ACMG Guidelines, 2015. Collection method: clinical testing. Allele origin: unknown. Affected: yes.
Comment: Criteria applied: PVS1_STR,PS4,PM2_SUP,BP5

German Consortium for Hereditary Breast and Ovarian Cancer, University Hospital Cologne
Classification: Likely pathogenic for Hereditary breast ovarian cancer syndrome. Last evaluated: 2026-03-13. Review status: criteria provided, single submitter. Criteria: ClinGen BRCA2 1.2.0. Collection method: curation. Allele origin: germline.
Comment: This classification follows the ClinGen ENIGMA BRCA2 v1.2.0 classification scheme; We chose these criteria: PVS1 (strong pathogenic): Baert (2018, PMID: 29280214): Functional splicing minigene assay (without quantification) showed variant to result in exon 7 skipping and leading to a frame shift (r.517_631del, p.Gly173Serfs*19) , PS4 (strong pathogenic): Found in 8 out of 92990 Indexpatients with BC from GC-HBOC but only 1X in 584494 NFEs in gnomAD V4.1 OR>5 and P<0.001, PM2 (supporting pathogenic): gnomAD: absent from controls, BP5 (supporting benign): Combined LR Score 0.47503 from USCS browser (Li et al.)

Genetics Laboratory, Great Ormond Street Hospital NHS Foundation Trust, North Thames Genomic Laboratory Hub
Classification: Likely pathogenic for Inherited breast cancer and ovarian cancer. Last evaluated: 2026-02-10. Review status: criteria provided, single submitter. Criteria: CanVIG BRCA Gene Specific V1.22. Collection method: clinical testing. Allele origin: germline. Affected: yes.
Comment: PS4_supporting, PM2_moderate, PVS1_strong, BP5_supporting

Labcorp Genetics (formerly Invitae), Labcorp
Classification: Pathogenic for Hereditary breast ovarian cancer syndrome. Last evaluated: 2026-01-05. Review status: criteria provided, single submitter. Criteria: Invitae Variant Classification Sherloc (09022015). Collection method: clinical testing. Allele origin: germline.
Comment: This sequence change replaces glycine, which is neutral and non-polar, with arginine, which is basic and polar, at codon 173 of the BRCA2 protein (p.Gly173Arg). RNA analysis indicates that this missense change induces altered splicing and may result in an absent or altered protein product. This variant is not present in population databases (gnomAD no frequency). This variant has not been reported in the literature in individuals affected with BRCA2-related conditions. ClinVar contains an entry for this variant (Variation ID: 182177). An algorithm developed to predict the effect of missense changes on protein structure and function (PolyPhen-2) suggests that this variant is likely to be disruptive. Studies have shown that this missense change results in skipping of exon 7, and produces a non-functional protein and/or introduces a premature termination codon (PMID: 29280214; internal data). For these reasons, this variant has been classified as Pathogenic.

GeneDx
Classification: Likely pathogenic. Last evaluated: 2025-09-29. Review status: criteria provided, single submitter. Criteria: GeneDx Variant Classification Process June 2021. Collection method: clinical testing. Allele origin: germline. Affected: yes.
Comment: Exonic splice variant demonstrated to result in abnormal splicing, leading to out-of-frame skipping of exon 7 (PMID: 29280214); Observed in an individual with breast cancer (PMID: 33471991); Not observed at significant frequency in large population cohorts (gnomAD); In silico analysis suggests that this missense variant does not alter protein structure/function; Also known as 745G>C; This variant is associated with the following publications: (PMID: 24963051, 22962691, 21702907, 29446198, 28726806, 30139880, 30883759, 33471991, 29280214)

Ambry Genetics
Classification: Likely pathogenic for Hereditary cancer-predisposing syndrome. Last evaluated: 2025-01-21. Review status: criteria provided, single submitter. Criteria: Ambry Variant Classification Scheme 2023. Collection method: clinical testing. Allele origin: germline.
Comment: The c.517G>C variant (also known as p.G173R) is located in coding exon 6 of the BRCA2 gene. This variant results from a G to C substitution at nucleotide position 517. The glycine at codon 173 is replaced by arginine, an amino acid with dissimilar properties. This change occurs in the first base pair of coding exon 6. This nucleotide position is highly conserved in available vertebrate species. This variant has been detected in breast cancer cohorts (Tung N et al. Cancer, 2015 Jan;121:25-33; Dorling et al. N Engl J Med. 2021 02;384:428-439). In silico splice site analysis predicts that this alteration may weaken the native splice acceptor site. RNA studies have demonstrated that this alteration results in abnormal splicing in the set of samples tested (Ambry internal data; Baert A et al. Hum. Mutat. 2017 Dec). Another nucleotide substitution at the same position (BRCA2 c.517G>T) was also shown to have a similar severe splice defect in multiple minigene assays (Gaildrat P et al. J. Med. Genet. 2012 Oct;49:609-17; Fraile-Bethencourt E et al. J Pathol, 2019 08;248:409-420). Yet another close-match alteration at this same acceptor site, BRCA2 c.517-2A>G, has been identified in a compound heterozygous and homozygous state in patients with Fanconi Anemia (Leach M et al. Practical Flow Cytometry in Hematology: 100 worked examples. 321-324; 2015; Muramatsu H et al. Genet. Med., 2017 07;19:796-802). BRCA2 c.517-2A>G also demonstrates an intermediate effect in a mouse embryonic stem cell survival and subsequent homology-directed DNA repair assays. Clinical and functional data collectively support BRCA2 c.517-2A>G as a likely hypomorphic variant (Mesman RLS et al. Genet Med, 2020 08;22:1355-1365). BRCA2 c.517-2A>G has a similar splice defect as this variant (Ambry internal data; Houdayer C et al. Hum Mut. 2012; 33:1228&ndash;38; Fraile-Bethencourt E et al. J. Pathol. 2019 08;248(4):409-420). Based on the majority of available evidence to date, this variant is likely to be pathogenic. However, because a variant with a similar splicing profile as this variant is functionally hypomorphic and has been identified in multiple patients with Fanconi Anemia it may be similarly hypomorphic and thus, carriers of this variant and their families may present with reduced risks, and not with the typical clinical characteristics of a high-risk pathogenic BRCA2 alteration. As risk estimates are unknown at this time, clinical correlation is advised.

Mayo Clinic Laboratories, Mayo Clinic
Classification: Likely pathogenic. Last evaluated: 2023-09-13. Review status: criteria provided, single submitter. Criteria: ACMG Guidelines, 2015. Collection method: clinical testing. Allele origin: germline. Observed: 1 variant allele.
Comment: PP3, PM2, PS1_moderate, PVS1_strong

Color Diagnostics, LLC DBA Color Health
Classification: Likely pathogenic for Hereditary cancer-predisposing syndrome. Last evaluated: 2023-05-17. Review status: criteria provided, single submitter. Criteria: ACMG Guidelines, 2015. Collection method: clinical testing. Allele origin: germline.
Comment: This variant changes the first nucleotide in exon 7 of the BRCA2 gene and is predicted to impact RNA splicing. This variant is also known as p.Gly173Arg based on predicted change at the protein level. An RNA study using peripheral blood cells from a carrier has shown that this variant results in out-of-frame skipping of exon 7, causing a frameshift and premature translation stop signal (PMID: 29280214). This variant has been reported in an individual affected with breast cancer (Leiden Open Variation Database DB-ID BRCA2_001018; PMID: 33471991). This variant has not been identified in the general population by the Genome Aggregation Database (gnomAD). Loss of BRCA2 function is a known mechanism of disease. Based on the available evidence, this variant is classified as Likely Pathogenic.

Baylor Genetics
Classification: Likely pathogenic for Familial cancer of breast. Last evaluated: 2023-03-02. Review status: criteria provided, single submitter. Criteria: ACMG Guidelines, 2015. Collection method: clinical testing. Allele origin: unknown.

Institute for Clinical Genetics, University Hospital TU Dresden, University Hospital TU Dresden
Classification: Likely pathogenic. Last evaluated: 2022-12-01. Review status: criteria provided, single submitter. Criteria: ACMG Guidelines, 2015. Collection method: clinical testing. Allele origin: germline.
Comment: PS4_MOD, PM2_SUP, PVS1_STR

Revvity Omics, Revvity
Classification: Likely pathogenic. Last evaluated: 2022-11-10. Review status: criteria provided, single submitter. Criteria: ACMG Guidelines, 2015. Collection method: clinical testing. Allele origin: germline.

NM_000059.4(BRCA2):c.517G>C (p.Gly173Arg)

Gene: BRCA2 (BRCA2 DNA repair associated; plus strand). Cytogenetic location: 13q13.1.
Variant type: single nucleotide variant.
Coding change: c.517G>C on transcript NM_000059.4 (MANE Select); coding-DNA position 517, G replaced by C.
Protein change: p.Gly173Arg; replaces glycine 173 with arginine.
Molecular consequence: missense variant.
Genome position (GRCh38, 1-based): chr13:32,326,499, G>C. VCF-style: chr13-32326499-G-C. GRCh37 (hg19) VCF-style: chr13-32900636-G-C.
Other names: p.G173R:GGT>CGT; short protein forms G173R.
Identifiers: ClinVar variation 182177 (VCV000182177.39), dbSNP rs397507768, ClinGen allele CA021599.
Genomic context (GRCh38, chr13:32,326,499, plus strand): 5'-ATAATATCCTTAATGATCAGGGCATTTCTATAAAAAATAAACTATTTTCTTTCCTCCCAG[G>C]GTCGTCAGACACCAAAACATATTTCTGAAAGTCTAGGAGCTGAGGTGGATCCTGATATGT-3'
Protein context (NP_000050.3, residues 163-183): SLFHTPKFVK[Gly173Arg]RQTPKHISES